The following is an entry in ClinVar:

NM_018089.3(ANKZF1):c.1754G>A (p.Arg585Gln)

Gene: ANKZF1 (ankyrin repeat and zinc finger peptidyl tRNA hydrolase 1; plus strand). Cytogenetic location: 2q35.
Variant type: single nucleotide variant.
Coding change: c.1754G>A on transcript NM_018089.3 (MANE Select); coding-DNA position 1754, G replaced by A.
Protein change: p.Arg585Gln; replaces arginine 585 with glutamine.
Molecular consequence: missense variant.
Genome position (GRCh38, 1-based): chr2:219,235,536, G>A. VCF-style: chr2-219235536-G-A. GRCh37 (hg19) VCF-style: chr2-220100258-G-A.
Other names: c.1754G>A (NM_018089.2); c.1754G>A, p.Arg585Gln (NM_001042410.2); c.1124G>A, p.Arg375Gln (NM_001282792.2); short protein forms R375Q, R585Q.
Identifiers: ClinVar variation 1164413 (VCV001164413.34), dbSNP rs189875478, ClinGen allele CA2121159.

ClinVar aggregate classification (germline): Benign/Likely benign. Review status: criteria provided, multiple submitters, no conflicts (2 of 4 stars). 4 submissions from 4 submitters: Benign (2); Likely benign (1). 1 of the submissions does not count toward it. Last evaluated 2026-02-03.

Conditions:
ANKZF1-related disorder. Also called: ANKZF1-related condition.

Allele frequency attached by ClinVar (database versions not stated): 1000 Genomes Project 0.00359; 1000 Genomes Project 30x 0.00375; TOPMed 0.00592; ExAC 0.00601; gnomAD 0.00613 and 0.00629; gnomAD exomes 0.00618 and 0.00755; ESP Exome Variant Server 0.00715.

Submissions (4):

Labcorp Genetics (formerly Invitae), Labcorp
Classification: Benign. Last evaluated: 2026-02-03. Review status: criteria provided, single submitter. Criteria: Invitae Variant Classification Sherloc (09022015). Collection method: clinical testing. Allele origin: germline.

CeGaT Center for Human Genetics Tuebingen
Classification: Likely benign. Last evaluated: 2024-06-01. Review status: criteria provided, single submitter. Criteria: CeGaT Center For Human Genetics Tuebingen Variant Classification Criteria Version 2. Collection method: clinical testing. Allele origin: germline. Affected: yes. Observed: 2 variant alleles.
Comment: ANKZF1: BP4, BS2

Breakthrough Genomics
Classification: Benign. Review status: criteria provided, single submitter. Criteria: ACMG Guidelines, 2015. Collection method: not provided. Allele origin: germline. Inheritance: Unknown mechanism. Affected: yes.

PreventionGenetics, part of Exact Sciences
Classification: Benign for ANKZF1-related condition. Last evaluated: 2019-07-16. Review status: no assertion criteria provided. Collection method: clinical testing. Allele origin: germline. Not counted in ClinVar's aggregate classification.
Comment: This variant is classified as benign based on ACMG/AMP sequence variant interpretation guidelines (Richards et al. 2015 PMID: 25741868, with internal and published modifications).